The following is an entry in ClinVar:

ClinVar aggregate classification (germline): Uncertain significance. Review status: criteria provided, multiple submitters, no conflicts (2 of 4 stars). 4 submissions from 4 submitters: Uncertain significance (3). 1 of the submissions does not count toward it. Last evaluated 2024-06-14.

Conditions:
Charcot-Marie-Tooth disease type 4. Also called: Charcot-Marie-Tooth, Type 4; Charcot-Marie-Tooth disease, type IV. Identifiers: Orphanet 64749, MedGen C4082197, MONDO:0018995.
Charcot-Marie-Tooth disease. Also called: Charcot-Marie-Tooth Neuropathy; Charcot-Marie-Tooth Hereditary Neuropathy. Identifiers: Orphanet 166, MedGen C0007959, MONDO:0015626.

Allele frequency attached by ClinVar (database versions not stated): gnomAD 0.00002; gnomAD exomes 0.00003; ExAC 0.00004; TOPMed 0.00004.
gnomAD v4.1: 33 of 1,598,186 alleles (0.0021%); highest among the groups gnomAD compares: Middle Eastern, 0.017%; no homozygotes.

Submissions (4):

GeneDx
Classification: Uncertain significance. Last evaluated: 2024-06-14. Review status: criteria provided, single submitter. Criteria: GeneDx Variant Classification Process June 2021. Collection method: clinical testing. Allele origin: germline. Affected: yes.
Comment: Not observed at significant frequency in large population cohorts (gnomAD); In silico analysis supports that this missense variant has a deleterious effect on protein structure/function; This variant is associated with the following publications: (PMID: 25164601, 32376792)

Labcorp Genetics (formerly Invitae), Labcorp
Classification: Uncertain significance for Charcot-Marie-Tooth disease type 4. Last evaluated: 2022-06-20. Review status: criteria provided, single submitter. Criteria: Invitae Variant Classification Sherloc (09022015). Collection method: clinical testing. Allele origin: germline.
Comment: This sequence change replaces arginine, which is basic and polar, with cysteine, which is neutral and slightly polar, at codon 1380 of the PRX protein (p.Arg1380Cys). This variant is present in population databases (rs771840476, gnomAD 0.007%). This missense change has been observed in individual(s) with Charcot-Marie-Tooth disease (PMID: 32376792). ClinVar contains an entry for this variant (Variation ID: 476971). Algorithms developed to predict the effect of missense changes on protein structure and function are either unavailable or do not agree on the potential impact of this missense change (SIFT: "Deleterious"; PolyPhen-2: "Possibly Damaging"; Align-GVGD: "Class C15"). In summary, the available evidence is currently insufficient to determine the role of this variant in disease. Therefore, it has been classified as a Variant of Uncertain Significance.

Molecular Genetics Laboratory, London Health Sciences Centre
Classification: Uncertain significance for Charcot-Marie-Tooth disease. Review status: criteria provided, single submitter. Criteria: ACMG Guidelines, 2015. Collection method: clinical testing. Allele origin: germline. Affected: yes.

Inherited Neuropathy Consortium
Classification: Uncertain significance for Charcot-Marie-Tooth disease. Review status: no assertion criteria provided. Collection method: literature only. Allele origin: germline. Affected: yes. Not counted in ClinVar's aggregate classification.

Literature cited by the submitters: PubMed 32376792 (cited by Labcorp Genetics (formerly Invitae), Labcorp); PubMed 25164601 (cited by Inherited Neuropathy Consortium).

NM_181882.3(PRX):c.4138C>T (p.Arg1380Cys)

Gene: PRX (periaxin; minus strand). Cytogenetic location: 19q13.2.
Variant type: single nucleotide variant.
Coding change: c.4138C>T on transcript NM_181882.3 (MANE Select); coding-DNA position 4138, C replaced by T.
Protein change: p.Arg1380Cys; replaces arginine 1380 with cysteine.
Molecular consequence: missense variant. On other transcripts: 3 prime UTR variant (1).
Genome position (GRCh38, 1-based): chr19:40,394,214, G>A on the plus strand (C>T on the coding strand, the complement: PRX is on the minus strand). VCF-style: chr19-40394214-G-A. GRCh37 (hg19) VCF-style: chr19-40900121-G-A.
Other names: c.*4343C>T (NM_020956.2); short protein forms R1380C.
Identifiers: ClinVar variation 476971 (VCV000476971.10), dbSNP rs771840476, ClinGen allele CA9443682.